The following is an entry in ClinVar:

ClinVar aggregate classification (germline): Conflicting classifications of pathogenicity. Review status: criteria provided, conflicting classifications (1 of 4 stars). 2 submissions from 2 submitters: Uncertain significance (1); Likely benign (1). Last evaluated 2025-12-18.

Conditions:
Hereditary cancer-predisposing syndrome. Also called: Tumor predisposition; Hereditary neoplastic syndrome; Hereditary Cancer Syndrome; Neoplastic Syndromes, Hereditary. Identifiers: Orphanet 140162, MedGen C0027672, MeSH D009386, MONDO:0015356.

Allele frequency attached by ClinVar (database versions not stated): TOPMed 0.00001.
gnomAD v4.1: 19 of 1,613,670 alleles (0.0012%); highest among the groups gnomAD compares: South Asian, 0.015%; no homozygotes.

Submissions (2):

Labcorp Genetics (formerly Invitae), Labcorp
Classification: Uncertain significance. Last evaluated: 2025-12-18. Review status: criteria provided, single submitter. Criteria: Invitae Variant Classification Sherloc (09022015). Collection method: clinical testing. Allele origin: germline.
Comment: This sequence change replaces glutamic acid, which is acidic and polar, with glutamine, which is neutral and polar, at codon 2140 of the POLE protein (p.Glu2140Gln). This variant is present in population databases (rs5745066, gnomAD 0.01%). This variant has not been reported in the literature in individuals affected with POLE-related conditions. ClinVar contains an entry for this variant (Variation ID: 936311). Invitae Evidence Modeling of protein sequence and biophysical properties (such as structural, functional, and spatial information, amino acid conservation, physicochemical variation, residue mobility, and thermodynamic stability) indicates that this missense variant is not expected to disrupt POLE protein function with a negative predictive value of 80%. In summary, the available evidence is currently insufficient to determine the role of this variant in disease. Therefore, it has been classified as a Variant of Uncertain Significance.

Ambry Genetics
Classification: Likely benign for Hereditary cancer-predisposing syndrome. Last evaluated: 2025-07-03. Review status: criteria provided, single submitter. Criteria: Ambry Variant Classification Scheme 2023. Collection method: clinical testing. Allele origin: germline.

NM_006231.4(POLE):c.6418G>C (p.Glu2140Gln)

Gene: POLE (DNA polymerase epsilon, catalytic subunit; minus strand). Cytogenetic location: 12q24.33.
Variant type: single nucleotide variant.
Coding change: c.6418G>C on transcript NM_006231.4 (MANE Select); coding-DNA position 6418, G replaced by C.
Protein change: p.Glu2140Gln; replaces glutamic acid 2140 with glutamine.
Molecular consequence: missense variant.
Genome position (GRCh38, 1-based): chr12:132,626,230, C>G on the plus strand (G>C on the coding strand, the complement: POLE is on the minus strand). VCF-style: chr12-132626230-C-G. GRCh37 (hg19) VCF-style: chr12-133202816-C-G.
Other names: c.6418G>C (NM_006231.2); short protein forms E2140Q.
Identifiers: ClinVar variation 936311 (VCV000936311.10), dbSNP rs5745066, ClinGen allele CA6892185.